The following is an entry in ClinVar:

ClinVar aggregate classification (germline): Conflicting classifications of pathogenicity. Review status: criteria provided, conflicting classifications (1 of 4 stars). 2 submissions from 2 submitters: Uncertain significance (1); Likely benign (1). Last evaluated 2024-09-20.

Conditions:
Inborn genetic diseases. Identifiers: MedGen C0950123, MeSH D030342.
Neurodevelopmental disorder with hypotonia, neuropathy, and deafness (NEDHND). Also called: SPTBN4 Disorder; Myopathy, congenital, with neuropathy and deafness. Identifiers: MedGen C4479603, MONDO:0060496, OMIM 617519.

gnomAD v4.1: 95 of 1,575,840 alleles (0.006%); highest among the groups gnomAD compares: South Asian, 0.097%; no homozygotes.

Submissions (2):

3billion
Classification: Likely benign for Neurodevelopmental disorder with hypotonia, neuropathy, and deafness. Last evaluated: 2024-09-20. Review status: criteria provided, single submitter. Criteria: ACMG Guidelines, 2015. Collection method: clinical testing. Allele origin: germline. Affected: no.
Comment: The homozygous variant was found in patients diagnosed with another variant in a different gene, with no symptoms related to the gene containing the homozygous variant.

Ambry Genetics
Classification: Uncertain significance for Inborn genetic diseases. Last evaluated: 2021-01-27. Review status: criteria provided, single submitter. Criteria: Ambry Variant Classification Scheme 2023. Collection method: clinical testing. Allele origin: germline.
Comment: The c.2875C>T (p.R959C) alteration is located in exon 15 (coding exon 14) of the SPTBN4 gene. This alteration results from a C to T substitution at nucleotide position 2875, causing the arginine (R) at amino acid position 959 to be replaced by a cysteine (C). The p.R959C alteration is predicted to be tolerated by in silico analysis. Based on insufficient or conflicting evidence, the clinical significance of this alteration remains unclear.

NM_020971.3(SPTBN4):c.2875C>T (p.Arg959Cys)

Gene: SPTBN4 (spectrin beta, non-erythrocytic 4; plus strand). Cytogenetic location: 19q13.2.
Variant type: single nucleotide variant.
Coding change: c.2875C>T on transcript NM_020971.3 (MANE Select); coding-DNA position 2875, C replaced by T.
Protein change: p.Arg959Cys; replaces arginine 959 with cysteine.
Molecular consequence: missense variant.
Genome position (GRCh38, 1-based): chr19:40,515,420, C>T. VCF-style: chr19-40515420-C-T. GRCh37 (hg19) VCF-style: chr19-41021327-C-T.
Other names: short protein forms R959C.
Identifiers: ClinVar variation 2377072 (VCV002377072.3), dbSNP rs745817076, ClinGen allele CA9445927.
Genomic context (GRCh38, chr19:40,515,420, plus strand): 5'-GACGTGAACCACACAGTCCAGGAGCTGGTGGAAGGAGGCCACCCCAGTTCAGATGAGGTG[C>T]GTTCCTGCCAGGACCACCTCAACAGCAGGTAGGAGGGCCTGGGGCTGGGAGTCCCTCCCA-3'
Protein context (NP_066022.2, residues 949-969): EGGHPSSDEV[Arg959Cys]SCQDHLNSRW